The following is an entry in ClinVar:

ClinVar aggregate classification (germline): Uncertain significance (1 of 4 stars; one submission).

Conditions:
NARS2-related disorder. Also called: NARS2-related condition.

gnomAD v4.1: 7 of 1,610,212 alleles (0.00043%); highest among the groups gnomAD compares: East Asian, 0.0045%; no homozygotes.

Submission:

PreventionGenetics, part of Exact Sciences
Classification: Uncertain significance for NARS2-related condition. Last evaluated: 2026-06-21. Review status: criteria provided, single submitter. Criteria: ACMG Guidelines, 2015. Collection method: clinical testing. Allele origin: germline.
Comment: The NARS2 c.485C>T variant is predicted to result in the amino acid substitution p.Ala162Val. To our knowledge, this variant has not been reported in the literature. This variant is reported in 0.0062% of alleles in individuals of African descent in gnomAD. At this time, the clinical significance of this variant is uncertain due to the absence of conclusive functional and genetic evidence.

NM_024678.6(NARS2):c.485C>T (p.Ala162Val)

Gene: NARS2 (asparaginyl-tRNA synthetase 2, mitochondrial; minus strand). Cytogenetic location: 11q14.1.
Variant type: single nucleotide variant.
Coding change: c.485C>T on transcript NM_024678.6 (MANE Select); coding-DNA position 485, C replaced by T.
Protein change: p.Ala162Val; replaces alanine 162 with valine.
Molecular consequence: missense variant. On other transcripts: 5 prime UTR variant (6), non-coding transcript variant (4).
Genome position (GRCh38, 1-based): chr11:78,566,160, G>A on the plus strand (C>T on the coding strand, the complement: NARS2 is on the minus strand). VCF-style: chr11-78566160-G-A. GRCh37 (hg19) VCF-style: chr11-78277206-G-A.
Other names: c.-197C>T (NM_001243251.2, NM_001425310.1, NM_001425313.1 and 1 more transcripts); c.485C>T, p.Ala162Val (NM_001425299.1, NM_001425300.1, NM_001425301.1 and 7 more transcripts); c.254C>T, p.Ala85Val (NM_001425308.1); c.-72C>T (NM_001425311.1); c.-269C>T (NM_001425312.1); short protein forms A85V, A162V.
Identifiers: ClinVar variation 4977613 (VCV004977613.1).